The following is an entry in ClinVar:

NM_000275.3(OCA2):c.612G>A (p.Trp204Ter)

Gene: OCA2 (OCA2 melanosomal transmembrane protein; minus strand). Cytogenetic location: 15q13.1.
Variant type: single nucleotide variant.
Coding change: c.612G>A on transcript NM_000275.3 (MANE Select); coding-DNA position 612, G replaced by A.
Protein change: p.Trp204Ter; replaces tryptophan 204 with a stop codon.
Molecular consequence: nonsense.
Genome position (GRCh38, 1-based): chr15:28,022,535, C>T on the plus strand (G>A on the coding strand, the complement: OCA2 is on the minus strand). VCF-style: chr15-28022535-C-T. GRCh37 (hg19) VCF-style: chr15-28267681-C-T.
Other names: c.612G>A, p.Trp204Ter (NM_001300984.2); short protein forms W204*.
Identifiers: ClinVar variation 2137637 (VCV002137637.5), dbSNP rs2042625844, ClinGen allele CA391367026.
Genomic context (GRCh38, chr15:28,022,535, plus strand): 5'-GCCATCTCAGAGTGGATTTTGGATACAGTAGTTCTCCAGCGGTGATAAGGCCAACAGCTG[C>T]CAGAGCTTTCCTTGATCCGGATATAGGCTGAACAAAATCTGTAACAATCAGAAACGTTGA-3'

ClinVar aggregate classification (germline): Pathogenic. Review status: criteria provided, multiple submitters, no conflicts (2 of 4 stars). 2 submissions from 2 submitters: Pathogenic (2). Last evaluated 2024-09-03.

Conditions:
Tyrosinase-positive oculocutaneous albinism (OCA2). Also called: ALBINISM II; Oculocutaneous albinism type 2; Albinism, oculocutaneous, type II. Identifiers: Orphanet 79432, MedGen C0268495, MONDO:0008746, OMIM 203200.

Allele frequency attached by ClinVar (database versions not stated): gnomAD exomes below 0.00001; TOPMed below 0.00001; gnomAD 0.00001.
gnomAD v4.1: 2 of 1,613,904 alleles (0.00012%); highest among the groups gnomAD compares: Non-Finnish European, 0.00017%; no homozygotes.

Submissions (2):

Myriad Genetics, Inc.
Classification: Pathogenic for Tyrosinase-positive oculocutaneous albinism. Last evaluated: 2024-09-03. Review status: criteria provided, single submitter. Criteria: Myriad Autosomal Dominant, Autosomal Recessive and X-Linked Classification Criteria (2023). Collection method: clinical testing. Allele origin: unknown.
Comment: NM_000275.2(OCA2):c.612G>A(W204*) is expected to be pathogenic in the context of oculocutaneous albinism, OCA2-related. This variant is predicted to lead to an abnormal or absent protein product due to the creation of a premature termination codon in OCA2, a gene where loss-of-function variants are known to be pathogenic. Please note: this variant was assessed in the context of healthy population screening.

Labcorp Genetics (formerly Invitae), Labcorp
Classification: Pathogenic. Last evaluated: 2023-09-01. Review status: criteria provided, single submitter. Criteria: Invitae Variant Classification Sherloc (09022015). Collection method: clinical testing. Allele origin: germline.
Comment: For these reasons, this variant has been classified as Pathogenic. ClinVar contains an entry for this variant (Variation ID: 2137637). This premature translational stop signal has been observed in individual(s) with oculocutaneous albinism (PMID: 15712365). This variant is not present in population databases (gnomAD no frequency). This sequence change creates a premature translational stop signal (p.Trp204*) in the OCA2 gene. It is expected to result in an absent or disrupted protein product. Loss-of-function variants in OCA2 are known to be pathogenic (PMID: 19865097, 21541274).

Literature cited by the submitters: PubMed 15712365 (cited by Labcorp Genetics (formerly Invitae), Labcorp); PubMed 19865097 (cited by Labcorp Genetics (formerly Invitae), Labcorp); PubMed 21541274 (cited by Labcorp Genetics (formerly Invitae), Labcorp).